The following is an entry in ClinVar:

ClinVar aggregate classification (germline): Conflicting classifications of pathogenicity. Review status: criteria provided, conflicting classifications (1 of 4 stars). 4 submissions from 4 submitters: Uncertain significance (1); Benign (1); Likely benign (2). Last evaluated 2025-08-24.

Conditions:
Inborn genetic diseases. Identifiers: MedGen C0950123, MeSH D030342.
Luscan-Lumish syndrome. Identifiers: Orphanet 597738, MedGen C4085873, MONDO:0014791, OMIM 616831.

gnomAD v4.1: 18 of 1,614,026 alleles (0.0011%); highest among the groups gnomAD compares: Middle Eastern, 0.13%; no homozygotes.

Submissions (4):

Labcorp Genetics (formerly Invitae), Labcorp
Classification: Benign for Luscan-Lumish syndrome. Last evaluated: 2025-08-24. Review status: criteria provided, single submitter. Criteria: Invitae Variant Classification Sherloc (09022015). Collection method: clinical testing. Allele origin: germline.

Ambry Genetics
Classification: Uncertain significance for Inborn genetic diseases. Last evaluated: 2024-12-13. Review status: criteria provided, single submitter. Criteria: Ambry Variant Classification Scheme 2023. Collection method: clinical testing. Allele origin: germline.

Blueprint Genetics
Classification: Likely benign. Last evaluated: 2024-05-10. Review status: criteria provided, single submitter. Criteria: ACMG Guidelines, 2015. Collection method: clinical testing. Allele origin: germline.

CeGaT Center for Human Genetics Tuebingen
Classification: Likely benign. Last evaluated: 2023-10-01. Review status: criteria provided, single submitter. Criteria: CeGaT Center For Human Genetics Tuebingen Variant Classification Criteria Version 2. Collection method: clinical testing. Allele origin: germline. Affected: yes. Observed: 1 variant allele.
Comment: SETD2: BP4

NM_014159.7(SETD2):c.5872G>C (p.Ala1958Pro)

Gene: SETD2 (SET domain containing 2, histone lysine methyltransferase; minus strand). Cytogenetic location: 3p21.31.
Variant type: single nucleotide variant.
Coding change: c.5872G>C on transcript NM_014159.7 (MANE Select); coding-DNA position 5872, G replaced by C.
Protein change: p.Ala1958Pro; replaces alanine 1958 with proline.
Molecular consequence: missense variant. On other transcripts: non-coding transcript variant (1).
Genome position (GRCh38, 1-based): chr3:47,083,908, C>G on the plus strand (G>C on the coding strand, the complement: SETD2 is on the minus strand). VCF-style: chr3-47083908-C-G. GRCh37 (hg19) VCF-style: chr3-47125398-C-G.
Other names: c.5740G>C, p.Ala1914Pro (NM_001349370.3); short protein forms A1958P, A1914P.
Identifiers: ClinVar variation 570200 (VCV000570200.32), dbSNP rs377115716, ClinGen allele CA2362840.